The following is an entry in ClinVar:

NM_001022.4(RPS19):c.376C>T (p.Gln126Ter)

Genes: RPS19-CD79A (RPS19-CD79A readthrough; plus strand), RPS19 (ribosomal protein S19; plus strand). Cytogenetic location: 19q13.2.
Variant type: single nucleotide variant.
Coding change: c.376C>T on transcript NM_001022.4 (MANE Select); coding-DNA position 376, C replaced by T.
Protein change: p.Gln126Ter; replaces glutamine 126 with a stop codon.
Molecular consequence: nonsense. On other transcripts: missense variant (1).
Genome position (GRCh38, 1-based): chr19:41,869,718, C>T. VCF-style: chr19-41869718-C-T. GRCh37 (hg19) VCF-style: chr19-42373788-C-T.
Other names: c.376C>T, p.Gln126Ter (NM_001321483.2, NM_001321484.2); c.389C>T, p.Ser130Leu (NM_001321485.2); short protein forms Q126*, S130L.
Identifiers: ClinVar variation 2690490 (VCV002690490.4), dbSNP rs2513685020, ClinGen allele CA406030680.

ClinVar aggregate classification (germline): Pathogenic/Likely pathogenic. Review status: criteria provided, multiple submitters, no conflicts (2 of 4 stars). 3 submissions from 3 submitters: Pathogenic (2); Likely pathogenic (1). Last evaluated 2025-08-10.

Conditions:
Diamond-Blackfan anemia. Also called: Blackfan Diamond syndrome; Aregenerative anemia chronic congenital; Red cell aplasia, pure hereditary; Congenital hypoplastic anemia; Aase syndrome. Identifiers: Orphanet 124, MedGen C1260899, MeSH D029503, MONDO:0015253, HP:0004810.
Diamond-Blackfan anemia 1 (DBA1). Also called: RPS19-Related Diamond-Blackfan Anemia; BLACKFAN-DIAMOND SYNDROME; ANEMIA, CONGENITAL HYPOPLASTIC, OF BLACKFAN AND DIAMOND; ANEMIA, CONGENITAL ERYTHROID HYPOPLASTIC; RED CELL APLASIA, PURE, HEREDITARY; AREGENERATIVE ANEMIA, CHRONIC CONGENITAL. Identifiers: Orphanet 124, MedGen C2676137, MONDO:0007110, OMIM 105650.

Submissions (3):

Labcorp Genetics (formerly Invitae), Labcorp
Classification: Pathogenic for Diamond-Blackfan anemia. Last evaluated: 2025-08-10. Review status: criteria provided, single submitter. Criteria: Invitae Variant Classification Sherloc (09022015). Collection method: clinical testing. Allele origin: germline.
Comment: This sequence change creates a premature translational stop signal (p.Gln126*) in the RPS19 gene. While this is not anticipated to result in nonsense mediated decay, it is expected to disrupt the last 20 amino acid(s) of the RPS19 protein. This variant is not present in population databases (gnomAD no frequency). This premature translational stop signal has been observed in individual(s) with Diamond-Blackfan anemia (PMID: 17376718). ClinVar contains an entry for this variant (Variation ID: 2690490). This variant disrupts a region of the RPS19 protein in which other variant(s) (p.Gly136*) have been determined to be pathogenic (PMID: 25946618). This suggests that this is a clinically significant region of the protein, and that variants that disrupt it are likely to be disease-causing. For these reasons, this variant has been classified as Pathogenic.

Genetic Services Laboratory, University of Chicago
Classification: Likely pathogenic. Last evaluated: 2025-05-15. Review status: criteria provided, single submitter. Criteria: ACMG Guidelines, 2015. Collection method: clinical testing. Allele origin: germline.
Comment: The c.376C>T variant: Results in the creation of a premature stop codon at amino acid position 126, p.Gln126*. Is predicted to result in an abnormal transcript, which may be degraded, or may lead to the production of a truncated RPS19 protein with potentially abnormal function. Has been previously described in individuals with Diamond-Blackfan anemia (PMID: 23744582, 17376718). Experimental studies have shown that this variant may impact ribosome assembly and rRNA processing and also exhibited defective hematopoiesis (PMID: 23744582). Has not been described in population databases such as gnomAD v4. Collectively this evidence indicates that this variant is likely pathogenic.

Revvity Omics, Revvity
Classification: Pathogenic for Diamond-Blackfan anemia 1. Last evaluated: 2023-06-27. Review status: criteria provided, single submitter. Criteria: ACMG Guidelines, 2015. Collection method: clinical testing. Allele origin: germline.

Literature cited by the submitters: PubMed 17376718 (cited by Labcorp Genetics (formerly Invitae), Labcorp); PubMed 25946618 (cited by Labcorp Genetics (formerly Invitae), Labcorp).